The following is an entry in ClinVar:

NM_032043.3(BRIP1):c.310A>T (p.Thr104Ser)

Gene: BRIP1 (BRCA1 interacting DNA helicase 1; minus strand). Cytogenetic location: 17q23.2.
Variant type: single nucleotide variant.
Coding change: c.310A>T on transcript NM_032043.3 (MANE Select); coding-DNA position 310, A replaced by T.
Protein change: p.Thr104Ser; replaces threonine 104 with serine.
Molecular consequence: missense variant.
Genome position (GRCh38, 1-based): chr17:61,857,127, T>A on the plus strand (A>T on the coding strand, the complement: BRIP1 is on the minus strand). VCF-style: chr17-61857127-T-A. GRCh37 (hg19) VCF-style: chr17-59934488-T-A.
Other names: short protein forms T104S.
Identifiers: ClinVar variation 5033465 (VCV005033465.1).
Genomic context (GRCh38, chr17:61,857,127, plus strand): 5'-TTGATGAAGTGCCATTTCTTTCAGAAGGTGGTGTGCTTGGATAGTTGAAATGACGTGAAG[T>A]TCCTTGGTTCATGTCATTGTTTGTAAAATCCTTTGAATGGCATGCACAACAACATGACAA-3'
Protein context (NP_114432.2, residues 94-114): DFTNNDMNQG[Thr104Ser]SRHFNYPSTP

ClinVar aggregate classification (germline): Uncertain significance (1 of 4 stars; one submission).

Conditions:
Hereditary cancer-predisposing syndrome. Also called: Neoplastic Syndromes, Hereditary; Tumor predisposition; Hereditary neoplastic syndrome; Hereditary Cancer Syndrome. Identifiers: Orphanet 140162, MedGen C0027672, MeSH D009386, MONDO:0015356.

Submission:

Ambry Genetics
Classification: Uncertain significance for Hereditary cancer-predisposing syndrome. Last evaluated: 2026-09-05. Review status: criteria provided, single submitter. Criteria: Ambry Variant Classification Scheme 2023. Collection method: clinical testing. Allele origin: germline.
Comment: The p.T104S variant (also known as c.310A>T), located in coding exon 3 of the BRIP1 gene, results from an A to T substitution at nucleotide position 310. The threonine at codon 104 is replaced by serine, an amino acid with similar properties. This amino acid position is conserved. In addition, this alteration is predicted to be tolerated by in silico analysis. Based on the available evidence, the clinical significance of this variant remains unclear.